The following is an entry in ClinVar:

ClinVar aggregate classification (germline): Likely pathogenic (1 of 4 stars; one submission).

Conditions:
Intellectual developmental disorder, X-linked 93. Also called: MENTAL RETARDATION, X-LINKED, WITH MACROCEPHALY; Intellectual disability, X-linked 93. Identifiers: MedGen C1970841, MONDO:0010393, OMIM 300659.

Submission:

Laboratorio de Genetica e Diagnostico Molecular, Hospital Israelita Albert Einstein
Classification: Likely pathogenic for Intellectual developmental disorder, X-linked 93. Last evaluated: 2024-08-09. Review status: criteria provided, single submitter. Criteria: ACMG Guidelines, 2015. Collection method: clinical testing. Allele origin: germline. Affected: yes.
Comment: ACMG classification criteria: PVS1 very strong, PM2 supporting

NM_153252.5(BRWD3):c.824_827del (p.Ser275fs)

Gene: BRWD3 (bromodomain and WD repeat domain containing 3; minus strand). Cytogenetic location: Xq21.1.
Variant type: Deletion.
Coding change: c.824_827del on transcript NM_153252.5 (MANE Select); coding-DNA positions 824 to 827, 4 bases deleted (CAAC; older notation c.824_827delCAAC).
Protein change: p.Ser275fs; shifts the reading frame from serine 275.
Molecular consequence: frameshift variant.
Genome position (GRCh38, 1-based): chrX:80,736,075-80,736,078, GTTG deleted on the plus strand (CAAC on the coding strand, the reverse complement: BRWD3 is on the minus strand). VCF-style (leftmost placement, unchanged base first): chrX-80736074-AGTTG-A. GRCh37 (hg19) VCF-style: chrX-79991573-AGTTG-A.
Other names: short protein forms S275fs.
Identifiers: ClinVar variation 3902006 (VCV003902006.1).
Genomic context (GRCh38, chrX:80,736,074, plus strand): 5'-TTGCCAGAAACAGATTGTTCCATCAGCACCAGTAGAAGTGAGGTATCTGTTTGTGCCTTT[AGTTG>A]ATGGACAAAACTTAAAAAAAAAAAAATCTGATTCAAATAAAAAGTTTTCATGTTCAGCCT-3'